The following is an entry in ClinVar:

ClinVar aggregate classification (germline): Likely benign (0 of 4 stars; one submission).

Conditions:
AFF4-related disorder. Also called: AFF4-related condition.

gnomAD v4.1: 2 of 1,612,702 alleles (0.00012%); highest among the groups gnomAD compares: African/African-American, 0.0027%; no homozygotes.

Submission:

PreventionGenetics, part of Exact Sciences
Classification: Likely benign for AFF4-related condition. Last evaluated: 2021-10-27. Review status: no assertion criteria provided. Collection method: clinical testing. Allele origin: germline.
Comment: This variant is classified as likely benign based on ACMG/AMP sequence variant interpretation guidelines (Richards et al. 2015 PMID: 25741868, with internal and published modifications).

NM_014423.4(AFF4):c.1226+7A>G

Gene: AFF4 (ALF transcription elongation factor 4; minus strand). Cytogenetic location: 5q31.1.
Variant type: single nucleotide variant.
Coding change: c.1226+7A>G on transcript NM_014423.4 (MANE Select); 7 bases into the intron after coding-DNA position 1226, A replaced by G.
Molecular consequence: intron variant.
Genome position (GRCh38, 1-based): chr5:132,899,097, T>C on the plus strand (A>G on the coding strand, the complement: AFF4 is on the minus strand). VCF-style: chr5-132899097-T-C. GRCh37 (hg19) VCF-style: chr5-132234789-T-C.
Identifiers: ClinVar variation 3355571 (VCV003355571.1).